The following is an entry in ClinVar:

ClinVar aggregate classification (germline): Uncertain significance (1 of 4 stars; one submission).

gnomAD v4.1: 19 of 1,614,170 alleles (0.0012%); highest among the groups gnomAD compares: Non-Finnish European, 0.0015%; no homozygotes.

Submission:

GeneDx
Classification: Uncertain significance. Last evaluated: 2025-03-20. Review status: criteria provided, single submitter. Criteria: GeneDx Variant Classification Process June 2021. Collection method: clinical testing. Allele origin: germline. Affected: yes.
Comment: Not observed at significant frequency in large population cohorts (gnomAD); In silico analysis indicates that this missense variant does not alter protein structure/function; Has not been previously published as pathogenic or benign to our knowledge

NM_002971.6(SATB1):c.154A>T (p.Met52Leu)

Gene: SATB1 (SATB homeobox 1; minus strand). Cytogenetic location: 3p24.3.
Variant type: single nucleotide variant.
Coding change: c.154A>T on transcript NM_002971.6 (MANE Select); coding-DNA position 154, A replaced by T.
Protein change: p.Met52Leu; replaces methionine 52 with leucine.
Molecular consequence: missense variant. On other transcripts: intron variant (1).
Genome position (GRCh38, 1-based): chr3:18,420,814, T>A on the plus strand (A>T on the coding strand, the complement: SATB1 is on the minus strand). VCF-style: chr3-18420814-T-A. GRCh37 (hg19) VCF-style: chr3-18462306-T-A.
Other names: c.154A>T, p.Met52Leu (NM_001131010.4, NM_001195470.3, NM_001322871.2 and 4 more transcripts); c.-5-3736A>T (NM_001322876.2); short protein forms M52L.
Identifiers: ClinVar variation 4086416 (VCV004086416.1).